The following is an entry in ClinVar:

ClinVar aggregate classification (germline): Uncertain significance (1 of 4 stars; one submission).

Conditions:
Hereditary spastic paraplegia 39 (SPG39). Also called: Spastic Paraplegia Type 39 (SPG39); SPASTIC PARAPLEGIA 39, AUTOSOMAL RECESSIVE. Identifiers: Orphanet 139480, MedGen C2677586, MONDO:0012787, OMIM 612020.

Allele frequency attached by ClinVar (database versions not stated): gnomAD exomes 0.00001.
gnomAD v4.1: 5 of 1,593,814 alleles (0.00031%); highest among the groups gnomAD compares: East Asian, 0.0091%; no homozygotes.

Submission:

Labcorp Genetics (formerly Invitae), Labcorp
Classification: Uncertain significance for Hereditary spastic paraplegia 39. Last evaluated: 2019-03-22. Review status: criteria provided, single submitter. Criteria: Invitae Variant Classification Sherloc (09022015). Collection method: clinical testing. Allele origin: germline.
Comment: This sequence change replaces aspartic acid with glycine at codon 914 of the PNPLA6 protein (p.Asp914Gly). The aspartic acid residue is moderately conserved and there is a moderate physicochemical difference between aspartic acid and glycine. This variant is not present in population databases (ExAC no frequency). In summary, the available evidence is currently insufficient to determine the role of this variant in disease. Therefore, it has been classified as a Variant of Uncertain Significance. Algorithms developed to predict the effect of missense changes on protein structure and function (SIFT, PolyPhen-2, Align-GVGD) all suggest that this variant is likely to be tolerated, but these predictions have not been confirmed by published functional studies and their clinical significance is uncertain. This variant has not been reported in the literature in individuals with PNPLA6-related conditions.

NM_001166114.2(PNPLA6):c.2855A>G (p.Asp952Gly)

Gene: PNPLA6 (patatin like domain 6, lysophospholipase; plus strand). Cytogenetic location: 19p13.2.
Variant type: single nucleotide variant.
Coding change: c.2855A>G on transcript NM_001166114.2 (MANE Select); coding-DNA position 2855, A replaced by G.
Protein change: p.Asp952Gly; replaces aspartic acid 952 with glycine.
Molecular consequence: missense variant.
Genome position (GRCh38, 1-based): chr19:7,555,286, A>G. VCF-style: chr19-7555286-A-G. GRCh37 (hg19) VCF-style: chr19-7620172-A-G.
Other names: c.2885A>G, p.Asp962Gly (NM_001166111.2); c.2660A>G, p.Asp887Gly (NM_001166112.2); c.2741A>G, p.Asp914Gly (NM_001166113.1, NM_006702.5); short protein forms D914G, D887G, D952G, D962G.
Identifiers: ClinVar variation 858961 (VCV000858961.9), dbSNP rs2023826142, ClinGen allele CA403130508.